The following is an entry in ClinVar:

ClinVar aggregate classification (germline): Uncertain significance (1 of 4 stars; one submission).

gnomAD v4.1: 10 of 1,613,758 alleles (0.00062%); highest among the groups gnomAD compares: Non-Finnish European, 0.00085%; no homozygotes.

Submission:

Labcorp Genetics (formerly Invitae), Labcorp
Classification: Uncertain significance. Last evaluated: 2024-09-28. Review status: criteria provided, single submitter. Criteria: Invitae Variant Classification Sherloc (09022015). Collection method: clinical testing. Allele origin: germline.
Comment: This sequence change replaces serine, which is neutral and polar, with asparagine, which is neutral and polar, at codon 532 of the CSF2RB protein (p.Ser532Asn). This variant is not present in population databases (gnomAD no frequency). This variant has not been reported in the literature in individuals affected with CSF2RB-related conditions. Invitae Evidence Modeling of protein sequence and biophysical properties (such as structural, functional, and spatial information, amino acid conservation, physicochemical variation, residue mobility, and thermodynamic stability) indicates that this missense variant is not expected to disrupt CSF2RB protein function with a negative predictive value of 80%. In summary, the available evidence is currently insufficient to determine the role of this variant in disease. Therefore, it has been classified as a Variant of Uncertain Significance.

NM_000395.3(CSF2RB):c.1595G>A (p.Ser532Asn)

Gene: CSF2RB (colony stimulating factor 2 receptor subunit beta; plus strand). Cytogenetic location: 22q12.3.
Variant type: single nucleotide variant.
Coding change: c.1595G>A on transcript NM_000395.3 (MANE Select); coding-DNA position 1595, G replaced by A.
Protein change: p.Ser532Asn; replaces serine 532 with asparagine.
Molecular consequence: missense variant.
Genome position (GRCh38, 1-based): chr22:36,937,403, G>A. VCF-style: chr22-36937403-G-A. GRCh37 (hg19) VCF-style: chr22-37333445-G-A.
Other names: c.1613G>A, p.Ser538Asn (NM_001410827.1); short protein forms S538N, S532N.
Identifiers: ClinVar variation 3676476 (VCV003676476.2).
Genomic context (GRCh38, chr22:36,937,403, plus strand): 5'-GGTCCCAACTCTTCTGCCCATTTTCTTCCCACAGGGTGTTCCCTGTAGGATTCGGGGACA[G>A]CGAGGTGTCACCTCTCACCATAGAGGACCCCAAGCATGTCTGTGATCCACCATCTGGGCC-3'
Protein context (NP_000386.1, residues 522-542): EGVFPVGFGD[Ser532Asn]EVSPLTIEDP